The following is an entry in ClinVar:

ClinVar aggregate classification (germline): Likely benign. Review status: criteria provided, multiple submitters, no conflicts (2 of 4 stars). 2 submissions from 2 submitters: Likely benign (2). Last evaluated 2025-11-16.

Conditions:
Congenital myasthenic syndrome 8. Also called: MYASTHENIC SYNDROME, CONGENITAL, DUE TO AGRIN DEFICIENCY; Myasthenic syndrome, congenital, 8, with pre- and postsynaptic defects. Identifiers: Orphanet 590, MedGen C3808739, MONDO:0014052, OMIM 615120.

Allele frequency attached by ClinVar (database versions not stated): gnomAD exomes 0.00002 and 0.00003; gnomAD 0.00005; TOPMed 0.00005.
gnomAD v4.1: 35 of 1,536,638 alleles (0.0023%); highest among the groups gnomAD compares: African/African-American, 0.0041%; no homozygotes.

Submissions (2):

Labcorp Genetics (formerly Invitae), Labcorp
Classification: Likely benign for Congenital myasthenic syndrome 8. Last evaluated: 2025-11-16. Review status: criteria provided, single submitter. Criteria: Invitae Variant Classification Sherloc (09022015). Collection method: clinical testing. Allele origin: germline.

CeGaT Center for Human Genetics Tuebingen
Classification: Likely benign. Last evaluated: 2024-08-01. Review status: criteria provided, single submitter. Criteria: CeGaT Center For Human Genetics Tuebingen Variant Classification Criteria Version 2. Collection method: clinical testing. Allele origin: germline. Affected: yes. Observed: 1 variant allele.
Comment: AGRN: BP4, BP7

NM_198576.4(AGRN):c.675G>A (p.Arg225=)

Genes: AGRN (agrin; plus strand), LOC129929077 (ATAC-STARR-seq lymphoblastoid silent region 23; plus strand). Cytogenetic location: 1p36.33.
Variant type: single nucleotide variant.
Coding change: c.675G>A on transcript NM_198576.4 (MANE Select); coding-DNA position 675, G replaced by A.
Protein change: p.Arg225=; no amino-acid change (arginine 225 retained).
Molecular consequence: synonymous variant.
Genome position (GRCh38, 1-based): chr1:1,040,828, G>A. VCF-style: chr1-1040828-G-A. GRCh37 (hg19) VCF-style: chr1-976208-G-A.
Other names: c.675G>A, p.Arg225= (NM_001305275.2); c.360G>A, p.Arg120= (NM_001364727.2).
Identifiers: ClinVar variation 706854 (VCV000706854.25), dbSNP rs922712578, ClinGen allele CA16750966.